The following is an entry in ClinVar:

ClinVar aggregate classification (germline): Uncertain significance. Review status: criteria provided, multiple submitters, no conflicts (2 of 4 stars). 4 submissions from 4 submitters: Uncertain significance (2). 2 of the submissions do not count toward it. Last evaluated 2022-02-10.

Conditions:
Thrombophilia due to protein S deficiency, autosomal recessive (THPH6). Identifiers: Orphanet 743, MedGen C3281092, MONDO:0013791, OMIM 614514. Disease mechanism: loss of function.
Thrombophilia due to protein S deficiency, autosomal dominant (THPH5). Identifiers: Orphanet 26349, Orphanet 743, MedGen C3278211, MONDO:0012868, OMIM 612336. Disease mechanism: loss of function.

Allele frequency attached by ClinVar (database versions not stated): ESP Exome Variant Server 0.00008; gnomAD 0.00009 and 0.00010; TOPMed 0.00011; ExAC 0.00014.
gnomAD v4.1: 265 of 1,612,072 alleles (0.016%); highest among the groups gnomAD compares: South Asian, 0.026%; no homozygotes.

Submissions (4):

Fulgent Genetics
Classification: Uncertain significance for Thrombophilia due to protein S deficiency, autosomal dominant; Thrombophilia due to protein S deficiency, autosomal recessive. Last evaluated: 2022-02-10. Review status: criteria provided, single submitter. Criteria: ACMG Guidelines, 2015. Collection method: clinical testing. Allele origin: unknown.

Labcorp Genetics (formerly Invitae), Labcorp
Classification: Uncertain significance for Thrombophilia due to protein S deficiency, autosomal recessive. Last evaluated: 2021-09-02. Review status: criteria provided, single submitter. Criteria: Invitae Variant Classification Sherloc (09022015). Collection method: clinical testing. Allele origin: germline.
Comment: This sequence change replaces proline with leucine at codon 444 of the PROS1 protein (p.Pro444Leu). The proline residue is highly conserved and there is a moderate physicochemical difference between proline and leucine. This variant is present in population databases (rs369244777, ExAC 0.03%). This missense change has been observed in individual(s) with protein S deficiency (PMID: 22627591, 26466767). ClinVar contains an entry for this variant (Variation ID: 161351). Algorithms developed to predict the effect of missense changes on protein structure and function (SIFT, PolyPhen-2, Align-GVGD) all suggest that this variant is likely to be disruptive. In summary, the available evidence is currently insufficient to determine the role of this variant in disease. Therefore, it has been classified as a Variant of Uncertain Significance.

CSER _CC_NCGL, University of Washington
Classification: Uncertain significance for Protein S deficiency. Last evaluated: 2014-06-01. Review status: no assertion criteria provided. Collection method: research. Allele origin: germline. Inheritance: Autosomal dominant inheritance. Study: ESP 6500 variant annotation. Not counted in ClinVar's aggregate classification.
Comment: Variants classified for the Actionable exomic incidental findings in 6503 participants: challenges of variant classification manuscript

Department of Pathology and Laboratory Medicine, Sinai Health System
Classification: Uncertain significance. Review status: no assertion criteria provided. Collection method: clinical testing. Allele origin: unknown. Affected: yes. Study: The Canadian Open Genetics Repository (COGR). Not counted in ClinVar's aggregate classification.
Comment: The PROS1 p.Pro476Leu variant was not identified in the literature but was identified in dbSNP (ID: rs369244777), ClinVar (classified as uncertain significance by CSER) and LOVD 3.0 (variant effect not shared). The variant was identified in control databases in 38 of 280156 chromosomes at a frequency of 0.0001356 (Genome Aggregation Database March 6, 2019, v2.1.1). The variant was observed in the following populations: South Asian in 8 of 30016 chromosomes (freq: 0.000267), European (non-Finnish) in 26 of 127940 chromosomes (freq: 0.000203), Other in 1 of 7160 chromosomes (freq: 0.00014), African in 1 of 24802 chromosomes (freq: 0.00004), European (Finnish) in 1 of 25058 chromosomes (freq: 0.00004) and Latino in 1 of 35050 chromosomes (freq: 0.000029), but was not observed in the Ashkenazi Jewish or East Asian populations. The p.Pro476 residue is conserved across mammals and other organisms, and computational analyses (PolyPhen-2, SIFT, AlignGVGD, BLOSUM, MutationTaster) suggest that the variant may impact the protein; however, this information is not predictive enough to assume pathogenicity. The variant occurs outside of the splicing consensus sequence and 1 of 4 in silico or computational prediction software programs (SpliceSiteFinder, MaxEntScan, NNSPLICE, GeneSplicer) predict a greater than 10% difference in splicing; this is not very predictive of pathogenicity. In summary, based on the above information the clinical significance of this variant cannot be determined with certainty at this time. This variant is classified as a variant of uncertain significance.

Literature cited by the submitters: PubMed 22627591 (cited by Labcorp Genetics (formerly Invitae), Labcorp); PubMed 26466767 (cited by Labcorp Genetics (formerly Invitae), Labcorp).

NM_000313.4(PROS1):c.1331C>T (p.Pro444Leu)

Gene: PROS1 (protein S; minus strand). Cytogenetic location: 3q11.1.
Variant type: single nucleotide variant.
Coding change: c.1331C>T on transcript NM_000313.4 (MANE Select); coding-DNA position 1331, C replaced by T.
Protein change: p.Pro444Leu; replaces proline 444 with leucine.
Molecular consequence: missense variant.
Genome position (GRCh38, 1-based): chr3:93,884,889, G>A on the plus strand (C>T on the coding strand, the complement: PROS1 is on the minus strand). VCF-style: chr3-93884889-G-A. GRCh37 (hg19) VCF-style: chr3-93603733-G-A.
Other names: c.1427C>T, p.Pro476Leu (NM_001314077.2); short protein forms P444L, P476L.
Identifiers: ClinVar variation 161351 (VCV000161351.6), dbSNP rs369244777, ClinGen allele CA211747.